The following is an entry in ClinVar:

ClinVar aggregate classification (germline): Benign/Likely benign. Review status: criteria provided, multiple submitters, no conflicts (2 of 4 stars). 3 submissions from 3 submitters: Benign (2); Likely benign (1). Last evaluated 2022-08-01.

Allele frequency attached by ClinVar (database versions not stated): 1000 Genomes Project 0.00100; 1000 Genomes Project 30x 0.00109; TOPMed 0.00158; gnomAD 0.00164 and 0.00166; ESP Exome Variant Server 0.00177; gnomAD exomes 0.00184 and 0.00237; ExAC 0.00201.
gnomAD v4.1: 3,671 of 1,613,250 alleles (0.23%); highest among the groups gnomAD compares: Non-Finnish European, 0.28%; 10 homozygotes.

Submissions (3):

CeGaT Center for Human Genetics Tuebingen
Classification: Likely benign. Last evaluated: 2022-08-01. Review status: criteria provided, single submitter. Criteria: CeGaT Center For Human Genetics Tuebingen Variant Classification Criteria Version 2. Collection method: clinical testing. Allele origin: germline. Affected: yes. Observed: 1 variant allele.
Comment: CDH8: BP4, BP7

Labcorp Genetics (formerly Invitae), Labcorp
Classification: Benign. Last evaluated: 2019-12-31. Review status: criteria provided, single submitter. Criteria: Invitae Variant Classification Sherloc (09022015). Collection method: clinical testing. Allele origin: germline.

Breakthrough Genomics
Classification: Benign. Review status: criteria provided, single submitter. Criteria: ACMG Guidelines, 2015. Collection method: not provided. Allele origin: germline. Inheritance: Unknown mechanism. Affected: yes.

NM_001796.5(CDH8):c.2001C>T (p.Tyr667=)

Gene: CDH8 (cadherin 8; minus strand). Cytogenetic location: 16q21.
Variant type: single nucleotide variant.
Coding change: c.2001C>T on transcript NM_001796.5 (MANE Select); coding-DNA position 2001, C replaced by T.
Protein change: p.Tyr667=; no amino-acid change (tyrosine 667 retained).
Molecular consequence: synonymous variant.
Genome position (GRCh38, 1-based): chr16:61,654,007, G>A on the plus strand (C>T on the coding strand, the complement: CDH8 is on the minus strand). VCF-style: chr16-61654007-G-A. GRCh37 (hg19) VCF-style: chr16-61687911-G-A.
Identifiers: ClinVar variation 777480 (VCV000777480.29), dbSNP rs35314742, ClinGen allele CA8091311.